The following is an entry in ClinVar:

ClinVar aggregate classification (germline): Pathogenic/Likely pathogenic. Review status: criteria provided, multiple submitters, no conflicts (2 of 4 stars). 4 submissions from 4 submitters: Pathogenic (1); Likely pathogenic (2). 1 of the submissions does not count toward it. Last evaluated 2024-01-06.

Conditions:
Pituitary adenoma 5, multiple types. Identifiers: MedGen C4539685, MONDO:0054601, OMIM 617540.
Usher syndrome type 1D (USH1D). Also called: USHER SYNDROME, TYPE ID. Identifiers: Orphanet 231169, Orphanet 886, MedGen C1832845, MONDO:0010984, OMIM 601067.
Autosomal recessive nonsyndromic hearing loss 12. Also called: DEAFNESS, AUTOSOMAL RECESSIVE 12. Identifiers: Orphanet 90636, MedGen C1832394, MONDO:0011067, OMIM 601386.
CDH23-related disorder. Also called: CDH23-related condition; CDH23-related disorders.
Retinal dystrophy. Also called: Inherited retinal dystrophy. Identifiers: Orphanet 71862, MedGen C0854723, MeSH D058499, MONDO:0019118, HP:0000556.

Allele frequency attached by ClinVar (database versions not stated): gnomAD exomes below 0.00001; TOPMed below 0.00001; ExAC 0.00001; gnomAD 0.00001.
gnomAD v4.1: 2 of 1,613,426 alleles (0.00012%); highest among the groups gnomAD compares: Non-Finnish European, 0.00017%; no homozygotes.

Submissions (4):

Fulgent Genetics
Classification: Likely pathogenic for Usher syndrome type 1D; Autosomal recessive nonsyndromic hearing loss 12; Pituitary adenoma 5, multiple types. Last evaluated: 2024-01-06. Review status: criteria provided, single submitter. Criteria: ACMG Guidelines, 2015. Collection method: clinical testing. Allele origin: germline.

Labcorp Genetics (formerly Invitae), Labcorp
Classification: Pathogenic. Last evaluated: 2023-07-03. Review status: criteria provided, single submitter. Criteria: Invitae Variant Classification Sherloc (09022015). Collection method: clinical testing. Allele origin: germline.
Comment: This variant is present in population databases (rs751788879, gnomAD 0.0009%). This sequence change affects an acceptor splice site in intron 22 of the CDH23 gene. It is expected to disrupt RNA splicing. Variants that disrupt the donor or acceptor splice site typically lead to a loss of protein function (PMID: 16199547), and loss-of-function variants in CDH23 are known to be pathogenic (PMID: 11138009, 21940737). Disruption of this splice site has been observed in individuals with clinical features of Usher syndrome (PMID: 27208204; Invitae). For these reasons, this variant has been classified as Pathogenic. Algorithms developed to predict the effect of sequence changes on RNA splicing suggest that this variant may disrupt the consensus splice site. ClinVar contains an entry for this variant (Variation ID: 236429).

Blueprint Genetics
Classification: Likely pathogenic for CDH23-related disorders. Last evaluated: 2019-07-23. Review status: criteria provided, single submitter. Criteria: ACMG Guidelines, 2015. Collection method: clinical testing. Allele origin: germline. Affected: yes. Observed: 1 variant allele.

Centre for Genomic Medicine, Manchester, Central Manchester University Hospitals
Classification: Uncertain significance for Retinal dystrophy. Review status: flagged submission. Collection method: clinical testing. Allele origin: germline. Affected: yes. Not counted in ClinVar's aggregate classification.
ClinVar note: Reason: Older and outlier claim with insufficient supporting evidence

Literature cited by the submitters: PubMed 16199547 (cited by Labcorp Genetics (formerly Invitae), Labcorp); PubMed 11138009 (cited by Labcorp Genetics (formerly Invitae), Labcorp); PubMed 21940737 (cited by Labcorp Genetics (formerly Invitae), Labcorp); PubMed 27208204 (cited by Labcorp Genetics (formerly Invitae), Labcorp).

NM_022124.6(CDH23):c.2398-1G>T

Gene: CDH23 (cadherin related 23; plus strand). Cytogenetic location: 10q22.1.
Variant type: single nucleotide variant.
Coding change: c.2398-1G>T on transcript NM_022124.6 (MANE Select); the canonical splice acceptor site of the intron before coding-DNA position 2398, G replaced by T.
Molecular consequence: splice acceptor variant.
Genome position (GRCh38, 1-based): chr10:71,702,021, G>T. VCF-style: chr10-71702021-G-T. GRCh37 (hg19) VCF-style: chr10-73461778-G-T.
Other names: c.2398-1G>T (NM_001171930.2, NM_001171931.2).
Identifiers: ClinVar variation 236429 (VCV000236429.12), dbSNP rs751788879, ClinGen allele CA5544221.